The following is an entry in ClinVar:

NM_001048174.2(MUTYH):c.288C>G (p.Asp96Glu)

Gene: MUTYH (mutY DNA glycosylase; minus strand). Cytogenetic location: 1p34.1.
Variant type: single nucleotide variant.
Coding change: c.288C>G on transcript NM_001048174.2 (MANE Select); coding-DNA position 288, C replaced by G.
Protein change: p.Asp96Glu; replaces aspartic acid 96 with glutamic acid.
Molecular consequence: missense variant. On other transcripts: non-coding transcript variant (7).
Genome position (GRCh38, 1-based): chr1:45,333,301, G>C on the plus strand (C>G on the coding strand, the complement: MUTYH is on the minus strand). VCF-style: chr1-45333301-G-C. GRCh37 (hg19) VCF-style: chr1-45798973-G-C.
Other names: c.288C>G, p.Asp96Glu (NM_001407089.1, NM_001048171.2, NM_001048173.2 and 6 more transcripts); c.12C>G, p.Asp4Glu (NM_001407091.1, NM_001293192.2, NM_001293196.2); c.363C>G, p.Asp121Glu (NM_012222.3, NM_001407069.1); c.291C>G, p.Asp97Glu (NM_001048172.2, NM_001407071.1, NM_001407078.1 and 2 more transcripts); c.372C>G, p.Asp124Glu (NM_001128425.2); c.333C>G, p.Asp111Glu (NM_001293190.2); c.321C>G, p.Asp107Glu (NM_001293191.2, NM_001407077.1); c.17C>G, p.Thr6Arg (NM_001350650.2, NM_001350651.2, NM_001407082.1); and 3 more; short protein forms D121E, D4E, T6R, D103E, D110E, D111E, D68E, D96E.
Identifiers: ClinVar variation 4113640 (VCV004113640.1).
Genomic context (GRCh38, chr1:45,333,301, plus strand): 5'-GGGCCTCGAGGCAAAGTGGCCCTGCTCTCAGGAGATGTACTGACCAGCATATGCCCGCCT[G>C]TCCAGGTCCATCTCATCTTCTGCCTGTCAATGCAACCCCAGATGAGGAGTTAGGGTGGAG-3'
Protein context (NP_001041639.1, residues 86-106): RRRAEDEMDL[Asp96Glu]RRAYAVWVSE

ClinVar aggregate classification (germline): Uncertain significance (1 of 4 stars; one submission).

Conditions:
Hereditary cancer-predisposing syndrome. Also called: Hereditary neoplastic syndrome; Neoplastic Syndromes, Hereditary; Tumor predisposition; Hereditary Cancer Syndrome. Identifiers: Orphanet 140162, MedGen C0027672, MeSH D009386, MONDO:0015356.

Submission:

Ambry Genetics
Classification: Uncertain significance for Hereditary cancer-predisposing syndrome. Last evaluated: 2025-08-27. Review status: criteria provided, single submitter. Criteria: Ambry Variant Classification Scheme 2023. Collection method: clinical testing. Allele origin: germline.
Comment: The p.D124E variant (also known as c.372C>G), located in coding exon 4 of the MUTYH gene, results from a C to G substitution at nucleotide position 372. The aspartic acid at codon 124 is replaced by glutamic acid, an amino acid with highly similar properties. This amino acid position is conserved. In addition, the in silico prediction for this alteration is inconclusive. Based on the available evidence, the clinical significance of this variant remains unclear.